The following is an entry in ClinVar:

NM_000147.5(FUCA1):c.397G>C (p.Val133Leu)

Genes: FUCA1 (alpha-L-fucosidase 1; minus strand), LOC126805661 (BRD4-independent group 4 enhancer GRCh37_chr1:24191742-24192941; plus strand). Cytogenetic location: 1p36.11.
Variant type: single nucleotide variant.
Coding change: c.397G>C on transcript NM_000147.5 (MANE Select); coding-DNA position 397, G replaced by C.
Protein change: p.Val133Leu; replaces valine 133 with leucine.
Molecular consequence: missense variant.
Genome position (GRCh38, 1-based): chr1:23,865,618, C>G on the plus strand (G>C on the coding strand, the complement: FUCA1 is on the minus strand). VCF-style: chr1-23865618-C-G. GRCh37 (hg19) VCF-style: chr1-24192108-C-G.
Other names: c.397G>C (NM_000147.4); short protein forms V133L.
Identifiers: ClinVar variation 1381624 (VCV001381624.4), dbSNP rs1204848910, ClinGen allele CA339007771.

ClinVar aggregate classification (germline): Uncertain significance. Review status: criteria provided, multiple submitters, no conflicts (2 of 4 stars). 2 submissions from 2 submitters: Uncertain significance (2). Last evaluated 2025-08-30.

Conditions:
Inborn genetic diseases. Identifiers: MedGen C0950123, MeSH D030342.
Fucosidosis. Also called: ALPHA-L-FUCOSIDASE DEFICIENCY. Identifiers: Orphanet 349, MedGen C0016788, MONDO:0009254, OMIM 230000.

Allele frequency attached by ClinVar (database versions not stated): gnomAD exomes below 0.00001; TOPMed 0.00001; gnomAD 0.00003 and 0.00004.
gnomAD v4.1: 20 of 1,614,118 alleles (0.0012%); highest among the groups gnomAD compares: Non-Finnish European, 0.0017%; no homozygotes.

Submissions (2):

Ambry Genetics
Classification: Uncertain significance for Inborn genetic diseases. Last evaluated: 2025-08-30. Review status: criteria provided, single submitter. Criteria: Ambry Variant Classification Scheme 2023. Collection method: clinical testing. Allele origin: germline.

Labcorp Genetics (formerly Invitae), Labcorp
Classification: Uncertain significance for Fucosidosis. Last evaluated: 2021-11-06. Review status: criteria provided, single submitter. Criteria: Invitae Variant Classification Sherloc (09022015). Collection method: clinical testing. Allele origin: germline.
Comment: This sequence change replaces valine, which is neutral and non-polar, with leucine, which is neutral and non-polar, at codon 133 of the FUCA1 protein (p.Val133Leu). This variant is present in population databases (no rsID available, gnomAD 0.002%). This variant has not been reported in the literature in individuals affected with FUCA1-related conditions. Algorithms developed to predict the effect of missense changes on protein structure and function are either unavailable or do not agree on the potential impact of this missense change (SIFT: "Deleterious"; PolyPhen-2: "Probably Damaging"; Align-GVGD: "Class C0"). In summary, the available evidence is currently insufficient to determine the role of this variant in disease. Therefore, it has been classified as a Variant of Uncertain Significance.